The following is an entry in ClinVar:

ClinVar aggregate classification (germline): Likely pathogenic (1 of 4 stars; one submission).

Conditions:
Early-infantile DEE. Also called: Early infantile epileptic encephalopathy; Early infantile epileptic encephalopathy with suppression bursts; Ohtahara syndrome. Identifiers: Orphanet 1934, MedGen C0393706, MONDO:0800491.

Submission:

Labcorp Genetics (formerly Invitae), Labcorp
Classification: Likely pathogenic for Early-infantile DEE. Last evaluated: 2022-08-23. Review status: criteria provided, single submitter. Criteria: Invitae Variant Classification Sherloc (09022015). Collection method: clinical testing. Allele origin: germline.
Comment: In summary, the currently available evidence indicates that the variant is pathogenic, but additional data are needed to prove that conclusively. Therefore, this variant has been classified as Likely Pathogenic. This variant disrupts the p.Asp212 amino acid residue in KCNQ2. Other variant(s) that disrupt this residue have been determined to be pathogenic (PMID: 19344764, 22455920). This suggests that this residue is clinically significant, and that variants that disrupt this residue are likely to be disease-causing. Advanced modeling of protein sequence and biophysical properties (such as structural, functional, and spatial information, amino acid conservation, physicochemical variation, residue mobility, and thermodynamic stability) performed at Invitae indicates that this missense variant is expected to disrupt KCNQ2 protein function. This variant has not been reported in the literature in individuals affected with KCNQ2-related conditions. This variant is not present in population databases (gnomAD no frequency). This sequence change replaces aspartic acid, which is acidic and polar, with asparagine, which is neutral and polar, at codon 212 of the KCNQ2 protein (p.Asp212Asn).

Literature cited by the submitters: PubMed 19344764; PubMed 22455920.

NM_172107.4(KCNQ2):c.634G>A (p.Asp212Asn)

Gene: KCNQ2 (potassium voltage-gated channel subfamily Q member 2; minus strand). Cytogenetic location: 20q13.33.
Variant type: single nucleotide variant.
Coding change: c.634G>A on transcript NM_172107.4 (MANE Select); coding-DNA position 634, G replaced by A.
Protein change: p.Asp212Asn; replaces aspartic acid 212 with asparagine.
Molecular consequence: missense variant.
Genome position (GRCh38, 1-based): chr20:63,444,715, C>T on the plus strand (G>A on the coding strand, the complement: KCNQ2 is on the minus strand). VCF-style: chr20-63444715-C-T. GRCh37 (hg19) VCF-style: chr20-62076068-C-T.
Other names: c.634G>A, p.Asp212Asn (NM_001382235.1, NM_004518.6, NM_172106.3 and 2 more transcripts); short protein forms D212N.
Identifiers: ClinVar variation 2097600 (VCV002097600.4), dbSNP rs2516502770, ClinGen allele CA409654741.